The following is an entry in ClinVar:

ClinVar aggregate classification (germline): Uncertain significance (1 of 4 stars; one submission).

Conditions:
Rubinstein-Taybi syndrome due to EP300 haploinsufficiency. Also called: RUBINSTEIN-TAYBI SYNDROME 2; EP300-Related Rubinstein-Taybi Syndrome. Identifiers: Orphanet 353284, Orphanet 783, MedGen C3150941, MONDO:0013364, OMIM 613684.

Allele frequency attached by ClinVar (database versions not stated): gnomAD exomes below 0.00001.
gnomAD v4.1: 1 of 1,614,010 alleles (0.000062%); highest among the groups gnomAD compares: South Asian, 0.0011%; no homozygotes.

Submission:

MGZ Medical Genetics Center
Classification: Uncertain significance for Rubinstein-Taybi syndrome due to EP300 haploinsufficiency. Last evaluated: 2022-07-12. Review status: criteria provided, single submitter. Criteria: ACMG Guidelines, 2015. Collection method: clinical testing. Allele origin: germline. Affected: yes. Observed: 1 variant allele.
Comment: ACMG criteria applied: PM2_SUP

NM_001429.4(EP300):c.5519T>G (p.Val1840Gly)

Gene: EP300 (EP300 lysine acetyltransferase; plus strand). Cytogenetic location: 22q13.2.
Variant type: single nucleotide variant.
Coding change: c.5519T>G on transcript NM_001429.4 (MANE Select); coding-DNA position 5519, T replaced by G.
Protein change: p.Val1840Gly; replaces valine 1840 with glycine.
Molecular consequence: missense variant.
Genome position (GRCh38, 1-based): chr22:41,177,230, T>G. VCF-style: chr22-41177230-T-G. GRCh37 (hg19) VCF-style: chr22-41573234-T-G.
Other names: c.5441T>G, p.Val1814Gly (NM_001362843.2); short protein forms V1814G, V1840G.
Identifiers: ClinVar variation 1709596 (VCV001709596.2), dbSNP rs2059205716, ClinGen allele CA411709162.